The following is an entry in ClinVar:

NM_003872.3(NRP2):c.2425+9436C>T

Gene: NRP2 (neuropilin 2; plus strand). Cytogenetic location: 2q33.3.
Variant type: single nucleotide variant.
Coding change: c.2425+9436C>T on transcript NM_003872.3 (MANE Select); 9436 bases into the intron after coding-DNA position 2425, C replaced by T.
Molecular consequence: intron variant.
Genome position (GRCh38, 1-based): chr2:205,776,239, C>T. VCF-style: chr2-205776239-C-T. GRCh37 (hg19) VCF-style: chr2-206640963-C-T.
Other names: c.2440+9421C>T (NM_201266.2); c.2425+9436C>T (NM_201279.2); c.2441-7C>T (NM_018534.4); c.2426-7C>T (NM_201267.2).
Identifiers: ClinVar variation 4986076 (VCV004986076.1).

ClinVar aggregate classification (germline): Likely benign (1 of 4 stars; one submission).

Conditions:
NRP2-related disorder. Also called: NRP2-related condition.

gnomAD v4.1: 4 of 1,611,986 alleles (0.00025%); highest among the groups gnomAD compares: Non-Finnish European, 0.000085%; no homozygotes.

Submission:

PreventionGenetics, part of Exact Sciences
Classification: Likely benign for NRP2-related condition. Last evaluated: 2024-11-20. Review status: criteria provided, single submitter. Criteria: ACMG Guidelines, 2015. Collection method: clinical testing. Allele origin: germline.
Comment: This variant is classified as likely benign based on ACMG/AMP sequence variant interpretation guidelines (Richards et al. 2015 PMID: 25741868, with internal and published modifications).